The following is an entry in ClinVar:

ClinVar aggregate classification (germline): Uncertain significance (1 of 4 stars; one submission).

Conditions:
Familial thoracic aortic aneurysm and aortic dissection (TAAD). Also called: Thoracic aortic aneurysms and dissections. Identifiers: Orphanet 91387, MedGen C4707243, MONDO:0019625.

Submission:

Ambry Genetics
Classification: Uncertain significance for Familial thoracic aortic aneurysm and aortic dissection. Last evaluated: 2025-08-12. Review status: criteria provided, single submitter. Criteria: Ambry Variant Classification Scheme 2023. Collection method: clinical testing. Allele origin: germline.
Comment: The p.C228R variant (also known as c.682T>C), located in coding exon 1 of the SKI gene, results from a T to C substitution at nucleotide position 682. The cysteine at codon 228 is replaced by arginine, an amino acid with highly dissimilar properties. This amino acid position is conserved. In addition, this alteration is predicted to be deleterious by in silico analysis. Based on the available evidence, the clinical significance of this variant remains unclear.

NM_003036.4(SKI):c.682T>C (p.Cys228Arg)

Gene: SKI (SKI proto-oncogene; plus strand). Cytogenetic location: 1p36.33.
Variant type: single nucleotide variant.
Coding change: c.682T>C on transcript NM_003036.4 (MANE Select); coding-DNA position 682, T replaced by C.
Protein change: p.Cys228Arg; replaces cysteine 228 with arginine.
Molecular consequence: missense variant.
Genome position (GRCh38, 1-based): chr1:2,229,448, T>C. VCF-style: chr1-2229448-T-C. GRCh37 (hg19) VCF-style: chr1-2160887-T-C.
Other names: short protein forms C228R.
Identifiers: ClinVar variation 4165719 (VCV004165719.1).